The following is an entry in ClinVar:

NM_005026.5(PIK3CD):c.2257G>A (p.Asp753Asn)

Gene: PIK3CD (phosphatidylinositol-4,5-bisphosphate 3-kinase catalytic subunit delta; plus strand). Cytogenetic location: 1p36.22.
Variant type: single nucleotide variant.
Coding change: c.2257G>A on transcript NM_005026.5 (MANE Select); coding-DNA position 2257, G replaced by A.
Protein change: p.Asp753Asn; replaces aspartic acid 753 with asparagine.
Molecular consequence: missense variant.
Genome position (GRCh38, 1-based): chr1:9,722,266, G>A. VCF-style: chr1-9722266-G-A. GRCh37 (hg19) VCF-style: chr1-9782324-G-A.
Other names: c.2257G>A, p.Asp753Asn (NM_001437546.1); c.2113G>A, p.Asp705Asn (NM_001437547.1, NM_001438338.1); c.2254G>A, p.Asp752Asn (NM_001439206.1, NM_001350234.2); c.2170G>A, p.Asp724Asn (NM_001350235.1); short protein forms D752N, D753N, D724N, D705N.
Identifiers: ClinVar variation 4745718 (VCV004745718.1).

ClinVar aggregate classification (germline): Uncertain significance (1 of 4 stars; one submission).

Conditions:
Immunodeficiency 14 (IMD14A). Also called: p110-DELTA-ACTIVATING MUTATION CAUSING SENESCENT T CELLS, LYMPHADENOPATHY, AND IMMUNODEFICIENCY; ACTIVATED PI3K-DELTA SYNDROME 1; Activated PI3K Delta Syndrome Type 1 (APDS1); IMMUNODEFICIENCY 14A WITH LYMPHOPROLIFERATION, AUTOSOMAL DOMINANT. Identifiers: Orphanet 397596, Orphanet 693661, MedGen C5907821, MONDO:0014222, OMIM 615513.

gnomAD v4.1: 2 of 1,613,490 alleles (0.00012%); highest among the groups gnomAD compares: African/African-American, 0.0013%; no homozygotes.

Submission:

Labcorp Genetics (formerly Invitae), Labcorp
Classification: Uncertain significance for Activated PI3K-delta syndrome. Last evaluated: 2025-11-19. Review status: criteria provided, single submitter. Criteria: Invitae Variant Classification Sherloc (09022015). Collection method: clinical testing. Allele origin: germline.
Comment: This sequence change replaces aspartic acid, which is acidic and polar, with asparagine, which is neutral and polar, at codon 753 of the PIK3CD protein (p.Asp753Asn). This variant is present in population databases (rs751837497, gnomAD 0.007%). This variant has not been reported in the literature in individuals affected with PIK3CD-related conditions. Invitae Evidence Modeling of protein sequence and biophysical properties (such as structural, functional, and spatial information, amino acid conservation, physicochemical variation, residue mobility, and thermodynamic stability) has been performed for this missense variant. However, the output from this modeling did not meet the statistical confidence thresholds required to predict the impact of this variant on PIK3CD protein function. In summary, the available evidence is currently insufficient to determine the role of this variant in disease. Therefore, it has been classified as a Variant of Uncertain Significance.